The following is an entry in ClinVar:

ClinVar aggregate classification (germline): Uncertain significance (1 of 4 stars; one submission).

Conditions:
Hereditary cancer-predisposing syndrome. Also called: Neoplastic Syndromes, Hereditary; Tumor predisposition; Hereditary Cancer Syndrome; Hereditary neoplastic syndrome. Identifiers: Orphanet 140162, MedGen C0027672, MeSH D009386, MONDO:0015356.

Submission:

Ambry Genetics
Classification: Uncertain significance for Hereditary cancer-predisposing syndrome. Last evaluated: 2022-01-19. Review status: criteria provided, single submitter. Criteria: Ambry Variant Classification Scheme 2023. Collection method: clinical testing. Allele origin: germline.
Comment: The p.G998C variant (also known as c.2992G>T), located in coding exon 15 of the APC gene, results from a G to T substitution at nucleotide position 2992. The glycine at codon 998 is replaced by cysteine, an amino acid with highly dissimilar properties. This amino acid position is conserved. In addition, in silico predictors for this gene do not accurately predict pathogenicity. Since supporting evidence is limited at this time, the clinical significance of this alteration remains unclear.

NM_000038.6(APC):c.2992G>T (p.Gly998Cys)

Gene: APC (APC regulator of Wnt signaling pathway; plus strand). Cytogenetic location: 5q22.2.
Variant type: single nucleotide variant.
Coding change: c.2992G>T on transcript NM_000038.6 (MANE Select); coding-DNA position 2992, G replaced by T.
Protein change: p.Gly998Cys; replaces glycine 998 with cysteine.
Molecular consequence: missense variant.
Genome position (GRCh38, 1-based): chr5:112,838,586, G>T. VCF-style: chr5-112838586-G-T. GRCh37 (hg19) VCF-style: chr5-112174283-G-T.
Other names: c.2992G>T, p.Gly998Cys (NM_001127510.3, NM_001354895.2, NM_001407450.1); c.2938G>T, p.Gly980Cys (NM_001127511.3); c.3046G>T, p.Gly1016Cys (NM_001354896.2, NM_001407447.1, NM_001407448.1 and 1 more transcripts); c.3022G>T, p.Gly1008Cys (NM_001354897.2); c.2917G>T, p.Gly973Cys (NM_001354898.2); c.2908G>T, p.Gly970Cys (NM_001354899.2); c.2869G>T, p.Gly957Cys (NM_001354900.2); c.2815G>T, p.Gly939Cys (NM_001354901.2, NM_001407453.1); and 11 more; short protein forms G1008C, G715C, G838C, G872C, G980C, G869C, G897C, G988C.
Identifiers: ClinVar variation 1798544 (VCV001798544.2), dbSNP rs2533463937, ClinGen allele CA16027880.
Genomic context (GRCh38, chr5:112,838,586, plus strand): 5'-CAAATGAAACCCTCGATTGAATCCTATTCTGAAGATGATGAAAGTAAGTTTTGCAGTTAT[G>T]GTCAATACCCAGCCGACCTAGCCCATAAAATACATAGTGCAAATCATATGGATGATAATG-3'
Protein context (NP_000029.2, residues 988-1008): EDDESKFCSY[Gly998Cys]QYPADLAHKI